The following is an entry in ClinVar:

ClinVar aggregate classification (germline): Likely pathogenic (0 of 4 stars; one submission).

Conditions:
NIPBL-related disorder. Also called: NIPBL-related condition.

Submission:

PreventionGenetics, part of Exact Sciences
Classification: Likely pathogenic for NIPBL-related condition. Last evaluated: 2024-08-14. Review status: no assertion criteria provided. Collection method: clinical testing. Allele origin: germline.
Comment: The NIPBL c.1492A>G variant is predicted to result in the amino acid substitution p.Lys498Glu. To our knowledge, this variant has not been reported in the literature or in a large population database, indicating this variant is rare. This variant is interpreted as likely pathogenic.

NM_133433.4(NIPBL):c.1492A>G (p.Lys498Glu)

Gene: NIPBL (NIPBL cohesin loading factor; plus strand). Cytogenetic location: 5p13.2.
Variant type: single nucleotide variant.
Coding change: c.1492A>G on transcript NM_133433.4 (MANE Select); coding-DNA position 1492, A replaced by G.
Protein change: p.Lys498Glu; replaces lysine 498 with glutamic acid.
Molecular consequence: missense variant.
Genome position (GRCh38, 1-based): chr5:36,976,399, A>G. VCF-style: chr5-36976399-A-G. GRCh37 (hg19) VCF-style: chr5-36976501-A-G.
Other names: c.1492A>G, p.Lys498Glu (NM_015384.5); short protein forms K498E.
Identifiers: ClinVar variation 3346416 (VCV003346416.1).